The following is an entry in ClinVar:

NM_000142.5(FGFR3):c.1482T>C (p.Ile494=)

Gene: FGFR3 (fibroblast growth factor receptor 3; plus strand). Cytogenetic location: 4p16.3.
Variant type: single nucleotide variant.
Coding change: c.1482T>C on transcript NM_000142.5 (MANE Select); coding-DNA position 1482, T replaced by C.
Protein change: p.Ile494=; no amino-acid change (isoleucine 494 retained).
Molecular consequence: synonymous variant. On other transcripts: non-coding transcript variant (1).
Genome position (GRCh38, 1-based): chr4:1,805,424, T>C. VCF-style: chr4-1805424-T-C. GRCh37 (hg19) VCF-style: chr4-1807151-T-C.
Other names: c.1488T>C, p.Ile496= (NM_001163213.2); c.1485T>C, p.Ile495= (NM_001354809.2, NM_001354810.2); c.1146T>C, p.Ile382= (NM_022965.4).
Identifiers: ClinVar variation 4872755 (VCV004872755.2).

ClinVar aggregate classification (germline): Likely benign (1 of 4 stars; one submission).

Submission:

CeGaT Center for Human Genetics Tuebingen
Classification: Likely benign. Last evaluated: 2026-06-01. Review status: criteria provided, single submitter. Criteria: CeGaT Center For Human Genetics Tuebingen Variant Classification Criteria Version 2. Collection method: clinical testing. Allele origin: germline. Affected: yes. Observed: 1 variant allele.
Comment: FGFR3: PM2:Supporting, BP4, BP7